The following is an entry in ClinVar:

NM_001437.3(ESR2):c.1525G>T (p.Gly509Trp)

Gene: ESR2 (estrogen receptor 2; minus strand). Cytogenetic location: 14q23.2.
Variant type: single nucleotide variant.
Coding change: c.1525G>T on transcript NM_001437.3 (MANE Select); coding-DNA position 1525, G replaced by T.
Protein change: p.Gly509Trp; replaces glycine 509 with tryptophan.
Molecular consequence: missense variant. On other transcripts: non-coding transcript variant (1), intron variant (5).
Genome position (GRCh38, 1-based): chr14:64,233,205, C>A on the plus strand (G>T on the coding strand, the complement: ESR2 is on the minus strand). VCF-style: chr14-64233205-C-A. GRCh37 (hg19) VCF-style: chr14-64699923-C-A.
Other names: c.1252G>T, p.Gly418Trp (NM_001271877.1); c.1406+1765G>T (NM_001291712.2, NM_001291723.1, NM_001040275.1 and 2 more transcripts); short protein forms G509W, G418W.
Identifiers: ClinVar variation 1440774 (VCV001440774.8), dbSNP rs888674106, ClinGen allele CA261842906.

ClinVar aggregate classification (germline): Uncertain significance (1 of 4 stars; one submission).

Allele frequency attached by ClinVar (database versions not stated): gnomAD exomes 0.00001 and 0.00002; TOPMed 0.00001.
gnomAD v4.1: 12 of 1,614,132 alleles (0.00074%); highest among the groups gnomAD compares: Admixed American, 0.015%; no homozygotes.

Submission:

Labcorp Genetics (formerly Invitae), Labcorp
Classification: Uncertain significance. Last evaluated: 2021-03-20. Review status: criteria provided, single submitter. Criteria: Invitae Variant Classification Sherloc (09022015). Collection method: clinical testing. Allele origin: germline.
Comment: This variant has not been reported in the literature in individuals with ESR2-related conditions. In summary, the available evidence is currently insufficient to determine the role of this variant in disease. Therefore, it has been classified as a Variant of Uncertain Significance. Algorithms developed to predict the effect of missense changes on protein structure and function are either unavailable or do not agree on the potential impact of this missense change (SIFT: "Tolerated"; PolyPhen-2: "Possibly Damaging"; Align-GVGD: "Class C0"). This variant is not present in population databases (ExAC no frequency). This sequence change replaces glycine with tryptophan at codon 509 of the ESR2 protein (p.Gly509Trp). The glycine residue is moderately conserved and there is a large physicochemical difference between glycine and tryptophan.